The following is an entry in ClinVar:

NM_006371.5(CRTAP):c.4G>C (p.Glu2Gln)

Genes: CRTAP (cartilage associated protein; plus strand), LOC129936436 (ATAC-STARR-seq lymphoblastoid silent region 14183; plus strand). Cytogenetic location: 3p22.3.
Variant type: single nucleotide variant.
Coding change: c.4G>C on transcript NM_006371.5 (MANE Select); coding-DNA position 4, G replaced by C.
Protein change: p.Glu2Gln; replaces glutamic acid 2 with glutamine.
Molecular consequence: missense variant.
Genome position (GRCh38, 1-based): chr3:33,114,081, G>C. VCF-style: chr3-33114081-G-C. GRCh37 (hg19) VCF-style: chr3-33155573-G-C.
Other names: c.4G>C, p.Glu2Gln (NM_001393364.1, NM_001393363.1, NM_001393365.1); short protein forms E2Q.
Identifiers: ClinVar variation 1717140 (VCV001717140.6), dbSNP rs1701306171, ClinGen allele CA352007978.

ClinVar aggregate classification (germline): Uncertain significance (1 of 4 stars; one submission).

Conditions:
Osteogenesis imperfecta type 7 (OI7). Also called: OSTEOGENESIS IMPERFECTA, TYPE IIB; Osteogenesis imperfecta type 2B; OI type 2B; Osteogenesis imperfecta, perinatal lethal autosomal recessive; OI type IIB; OI type 7. Identifiers: MedGen C1853162, MONDO:0012536, OMIM 610682.

Submission:

Labcorp Genetics (formerly Invitae), Labcorp
Classification: Uncertain significance for Osteogenesis imperfecta type 7. Last evaluated: 2022-08-20. Review status: criteria provided, single submitter. Criteria: Invitae Variant Classification Sherloc (09022015). Collection method: clinical testing. Allele origin: germline.
Comment: This sequence change replaces glutamic acid, which is acidic and polar, with glutamine, which is neutral and polar, at codon 2 of the CRTAP protein (p.Glu2Gln). In summary, the available evidence is currently insufficient to determine the role of this variant in disease. Therefore, it has been classified as a Variant of Uncertain Significance. Algorithms developed to predict the effect of missense changes on protein structure and function are either unavailable or do not agree on the potential impact of this missense change (SIFT: "Tolerated"; PolyPhen-2: "Not Available"; Align-GVGD: "Class C0"). This variant has not been reported in the literature in individuals affected with CRTAP-related conditions. This variant is not present in population databases (gnomAD no frequency).